The following is an entry in ClinVar:

NM_014754.3(PTDSS1):c.284G>A (p.Arg95Gln)

Gene: PTDSS1 (phosphatidylserine synthase 1; plus strand). Cytogenetic location: 8q22.1.
Variant type: single nucleotide variant.
Coding change: c.284G>A on transcript NM_014754.3 (MANE Select); coding-DNA position 284, G replaced by A.
Protein change: p.Arg95Gln; replaces arginine 95 with glutamine.
Molecular consequence: missense variant. On other transcripts: intron variant (1).
Genome position (GRCh38, 1-based): chr8:96,284,121, G>A. VCF-style: chr8-96284121-G-A. GRCh37 (hg19) VCF-style: chr8-97296349-G-A.
Other names: c.3+10731G>A (NM_001290225.2); short protein forms R95Q.
Identifiers: ClinVar variation 429519 (VCV000429519.9), dbSNP rs1131691429, ClinGen allele CA371754196.

ClinVar aggregate classification (germline): Pathogenic/Likely pathogenic. Review status: criteria provided, multiple submitters, no conflicts (2 of 4 stars). 3 submissions from 3 submitters: Pathogenic (1); Likely pathogenic (2). Last evaluated 2026-10-05.

Conditions:
Lenz-Majewski hyperostosis syndrome (LMHD). Also called: PTDSS1-Related Lenz-Majewski Hyperostotic Dysplasia; LENZ-MAJEWSKI SYNDROME; Lenz-Majewski hyperostotic dysplasia; Multiple congenital anomalies, mental retardation and progressive skeletal sclerosis; Hyperostotic dwarfism Lenz-Majewski type. Identifiers: Orphanet 2658, MedGen C0432269, MONDO:0007892, OMIM 151050.

Submissions (3):

GeneDx
Classification: Pathogenic. Last evaluated: 2026-10-05. Review status: criteria provided, single submitter. Criteria: GeneDx Variant Classification Process June 2021. Collection method: clinical testing. Allele origin: germline.
Comment: Reported as a de novo variant in an individual with a developmental disorder, however, further clinical information was not provided and this individual harbored a second de novo variant in another gene (PMID: 33057194); In silico analysis supports that this missense variant has a deleterious effect on protein structure/function; Not observed at significant frequency in large population cohorts (gnomAD); This variant is associated with the following publications: (PMID: 40993826, 35982159, 33057194, 40524567)

Institute of Human Genetics, University of Leipzig Medical Center
Classification: Likely pathogenic for Lenz-Majewski hyperostosis syndrome. Last evaluated: 2024-09-02. Review status: criteria provided, single submitter. Criteria: ACMG Guidelines, 2015. Collection method: clinical testing. Allele origin: de novo. Inheritance: Autosomal dominant inheritance. Affected: yes.
Comment: Criteria applied: PS2_MOD,PS4_SUP,PM2,PM5

3billion
Classification: Likely pathogenic for Lenz-Majewski hyperostosis syndrome. Last evaluated: 2023-12-04. Review status: criteria provided, single submitter. Criteria: ACMG Guidelines, 2015. Collection method: clinical testing. Allele origin: germline. Affected: yes.
Comment: The variant is not observed in the gnomAD v2.1.1 dataset. Predicted Consequence/Location: Missense changes are a common disease-causing mechanism. In silico tool predictions suggest damaging effect of the variant on gene or gene product [REVEL: 0.64 (>=0.6, sensitivity 0.68 and specificity 0.92); 3Cnet: 1.00 (>=0.6, sensitivity 0.72 and precision 0.9)]. Same nucleotide change resulting in same amino acid change has been previously reported to be associated with PTDSS1-related disorder (ClinVar ID: VCV000429519). A different missense change at the same codon (p.Arg95Leu) has been reported to be associated with PTDSS1-related disorder (PMID: 29341480). Therefore, this variant is classified as Likely pathogenic according to the recommendation of ACMG/AMP guideline.

Literature cited by the submitters: PubMed 29341480 (cited by 3billion).